The following is an entry in ClinVar:

ClinVar aggregate classification (germline): Uncertain significance (1 of 4 stars; one submission).

Submission:

Labcorp Genetics (formerly Invitae), Labcorp
Classification: Uncertain significance. Last evaluated: 2024-10-21. Review status: criteria provided, single submitter. Criteria: Invitae Variant Classification Sherloc (09022015). Collection method: clinical testing. Allele origin: germline.
Comment: This sequence change replaces glutamic acid, which is acidic and polar, with aspartic acid, which is acidic and polar, at codon 324 of the COL4A1 protein (p.Glu324Asp). This variant is not present in population databases (gnomAD no frequency). This variant has not been reported in the literature in individuals affected with COL4A1-related conditions. Invitae Evidence Modeling of protein sequence and biophysical properties (such as structural, functional, and spatial information, amino acid conservation, physicochemical variation, residue mobility, and thermodynamic stability) indicates that this missense variant is not expected to disrupt COL4A1 protein function with a negative predictive value of 95%. In summary, the available evidence is currently insufficient to determine the role of this variant in disease. Therefore, it has been classified as a Variant of Uncertain Significance.

NM_001845.6(COL4A1):c.972A>T (p.Glu324Asp)

Gene: COL4A1 (collagen type IV alpha 1 chain; minus strand). Cytogenetic location: 13q34.
Variant type: single nucleotide variant.
Coding change: c.972A>T on transcript NM_001845.6 (MANE Select); coding-DNA position 972, A replaced by T.
Protein change: p.Glu324Asp; replaces glutamic acid 324 with aspartic acid.
Molecular consequence: missense variant.
Genome position (GRCh38, 1-based): chr13:110,203,593, T>A on the plus strand (A>T on the coding strand, the complement: COL4A1 is on the minus strand). VCF-style: chr13-110203593-T-A. GRCh37 (hg19) VCF-style: chr13-110855940-T-A.
Other names: c.972A>T, p.Glu324Asp (NM_001303110.2); short protein forms E324D.
Identifiers: ClinVar variation 3636580 (VCV003636580.2).